The following is an entry in ClinVar:

ClinVar aggregate classification (germline): Uncertain significance. Review status: criteria provided, multiple submitters, no conflicts (2 of 4 stars). 2 submissions from 2 submitters: Uncertain significance (2). Last evaluated 2026-05-14.

Conditions:
Achondrogenesis, type IA (ACG1A). Identifiers: Orphanet 932, Orphanet 93299, MedGen C0265273, MONDO:0008701, OMIM 200600.
Inborn genetic diseases. Identifiers: MedGen C0950123, MeSH D030342.

Allele frequency attached by ClinVar (database versions not stated): gnomAD 0.00001; gnomAD exomes below 0.00001 and 0.00001; TOPMed 0.00001.
gnomAD v4.1: 3 of 1,613,858 alleles (0.00019%); highest among the groups gnomAD compares: Admixed American, 0.005%; no homozygotes.

Submissions (2):

Ambry Genetics
Classification: Uncertain significance for Inborn genetic diseases. Last evaluated: 2026-05-14. Review status: criteria provided, single submitter. Criteria: Ambry Variant Classification Scheme 2023. Collection method: clinical testing. Allele origin: germline.

Labcorp Genetics (formerly Invitae), Labcorp
Classification: Uncertain significance for Achondrogenesis, type IA. Last evaluated: 2022-07-19. Review status: criteria provided, single submitter. Criteria: Invitae Variant Classification Sherloc (09022015). Collection method: clinical testing. Allele origin: germline.
Comment: ClinVar contains an entry for this variant (Variation ID: 1508355). This sequence change replaces leucine, which is neutral and non-polar, with phenylalanine, which is neutral and non-polar, at codon 1013 of the TRIP11 protein (p.Leu1013Phe). This variant is present in population databases (no rsID available, gnomAD 0.009%). This variant has not been reported in the literature in individuals affected with TRIP11-related conditions. Algorithms developed to predict the effect of missense changes on protein structure and function are either unavailable or do not agree on the potential impact of this missense change (SIFT: "Not Available"; PolyPhen-2: "Probably Damaging"; Align-GVGD: "Not Available"). In summary, the available evidence is currently insufficient to determine the role of this variant in disease. Therefore, it has been classified as a Variant of Uncertain Significance.

NM_004239.4(TRIP11):c.3039A>C (p.Leu1013Phe)

Gene: TRIP11 (thyroid hormone receptor interactor 11; minus strand). Cytogenetic location: 14q32.12.
Variant type: single nucleotide variant.
Coding change: c.3039A>C on transcript NM_004239.4 (MANE Select); coding-DNA position 3039, A replaced by C.
Protein change: p.Leu1013Phe; replaces leucine 1013 with phenylalanine.
Molecular consequence: missense variant.
Genome position (GRCh38, 1-based): chr14:92,004,937, T>G on the plus strand (A>C on the coding strand, the complement: TRIP11 is on the minus strand). VCF-style: chr14-92004937-T-G. GRCh37 (hg19) VCF-style: chr14-92471281-T-G.
Other names: c.3036A>C, p.Leu1012Phe (NM_001321851.1); c.3039A>C (NM_004239.3); short protein forms L1013F, L1012F.
Identifiers: ClinVar variation 1508355 (VCV001508355.9), dbSNP rs1425069965, ClinGen allele CA390654449.
Genomic context (GRCh38, chr14:92,004,937, plus strand): 5'-TTTAATCTCCAGTTCTCGCTCTTTTATTCCTTTCACTAATCTTTCCGTTTCAGCTTTAGA[T>G]AAATCATGCTTTTCACTTCCATTTTCTATATTAAGGCTCTGAACTTTTGTTTCTTGAAAA-3'
Protein context (NP_004230.2, residues 1003-1023): NIENGSEKHD[Leu1013Phe]SKAETERLVK